The following is an entry in ClinVar:

NM_014921.5(ADGRL1):c.2251_2259del (p.748PGG[1])

Genes: ADGRL1 (adhesion G protein-coupled receptor L1; minus strand), ADGRL1-AS1 (ADGRL1 antisense RNA 1; plus strand). Cytogenetic location: 19p13.12.
Variant type: Deletion.
Coding change: c.2251_2259del on transcript NM_014921.5 (MANE Select); coding-DNA positions 2251 to 2259, 9 bases deleted (CCTGGGGGC; older notation c.2251_2259delCCTGGGGGC).
Protein change: p.748PGG[1].
Molecular consequence: inframe deletion.
Genome position (GRCh38, 1-based): chr19:14,158,443-14,158,451, GCCCCCAGG deleted on the plus strand (CCTGGGGGC on the coding strand, the reverse complement: ADGRL1 is on the minus strand); deleting any 9 consecutive bases within chr19:14,158,443-14,158,454 gives the same sequence; the c. name uses the placement nearest the transcript's 3' end. VCF-style (leftmost placement, unchanged base first): chr19-14158442-CGCCCCCAGG-C. GRCh37 (hg19) VCF-style: chr19-14269254-CGCCCCCAGG-C.
Other names: c.2266_2274del, p.753PGG[1] (NM_001008701.3).
Identifiers: ClinVar variation 4851918 (VCV004851918.1).
Genomic context (GRCh38, chr19:14,158,442, plus strand): 5'-CGCGGCTGGACTCCTTGTTGATGGATGCTGCGATGACCTGTGAGTTCACCACTAGAGAGG[CGCCCCCAGG>C]GCCACCCGGGCCTGCTTCGCCGGCCAGCTTCACTGTGGCATTCTCCGTGGACAGGAAGAG-3'

ClinVar aggregate classification (germline): Uncertain significance (1 of 4 stars; one submission).

Submission:

Dasa
Classification: Uncertain significance. Last evaluated: 2025-10-23. Review status: criteria provided, single submitter. Criteria: DASA Assertion Criteria. Collection method: clinical testing. Allele origin: germline.
Comment: NM_014921.5(ADGRL1):c.2251_2259del (p.Pro751_Gly753del) is a sequence variant. Segregation evidence has been reported in affected families. The variant is present at low frequency in population datasets. Based on the available data, this variant is classified as variant of uncertain significance.